The following is an entry in ClinVar:

ClinVar aggregate classification (germline): Likely pathogenic (1 of 4 stars; one submission).

Conditions:
Beckwith-Wiedemann syndrome (BWS). Also called: EMG SYNDROME; Exomphalos macroglossia gigantism syndrome. Identifiers: Orphanet 116, MedGen C0004903, MONDO:0007534, OMIM 130650.

Submission:

Labcorp Genetics (formerly Invitae), Labcorp
Classification: Likely pathogenic for Beckwith-Wiedemann syndrome. Last evaluated: 2022-09-06. Review status: criteria provided, single submitter. Criteria: Invitae Variant Classification Sherloc (09022015). Collection method: clinical testing. Allele origin: germline.
Comment: This sequence change results in a frameshift in the CDKN1C gene (p.Arg279Alafs*42). While this is not anticipated to result in nonsense mediated decay, it is expected to disrupt the last 38 amino acid(s) of the CDKN1C protein and extend the protein by 3 additional amino acid residues. This variant is not present in population databases (gnomAD no frequency). This variant has not been reported in the literature in individuals affected with CDKN1C-related conditions. Experimental studies and prediction algorithms are not available or were not evaluated, and the functional significance of this variant is currently unknown. This variant disrupts the C-terminus of the CDKN1C protein. Other variant(s) that disrupt this region (p.Ser282) have been observed in individuals with CDKN1C-related conditions (PMID: 10424811, 19386358). This suggests that this may be a clinically significant region of the protein. In summary, the currently available evidence indicates that the variant is pathogenic, but additional data are needed to prove that conclusively. Therefore, this variant has been classified as Likely Pathogenic.

Literature cited by the submitters: PubMed 10424811; PubMed 19386358.

NM_001122630.2(CDKN1C):c.802del (p.Arg268fs)

Gene: CDKN1C (cyclin dependent kinase inhibitor 1C; minus strand). Cytogenetic location: 11p15.4.
Variant type: Deletion.
Coding change: c.802del on transcript NM_001122630.2 (MANE Select); coding-DNA position 802, one base deleted (C; older notation c.802delC).
Protein change: p.Arg268fs; shifts the reading frame from arginine 268.
Molecular consequence: frameshift variant.
Genome position (GRCh38, 1-based): chr11:2,884,120, G deleted on the plus strand (C on the coding strand, the reverse complement: CDKN1C is on the minus strand). VCF-style (leftmost placement, unchanged base first): chr11-2884119-CG-C. GRCh37 (hg19) VCF-style: chr11-2905349-CG-C.
Other names: c.835del, p.Arg279fs (NM_000076.2, NM_001362474.2); c.802del, p.Arg268fs (NM_001122631.2); c.270del, p.Ser90fs (NM_001362475.2); short protein forms R268fs, R279fs, S90fs.
Identifiers: ClinVar variation 2133471 (VCV002133471.4), dbSNP rs2494380217, ClinGen allele CA2580082643.